The following is an entry in ClinVar:

ClinVar aggregate classification (germline): Conflicting classifications of pathogenicity. Review status: criteria provided, conflicting classifications (1 of 4 stars). 2 submissions from 2 submitters: Uncertain significance (1); Likely benign (1). Last evaluated 2026-06-15.

Conditions:
Inborn genetic diseases. Identifiers: MedGen C0950123, MeSH D030342.

Allele frequency attached by ClinVar (database versions not stated): TOPMed 0.00001; gnomAD 0.00001; gnomAD exomes 0.00001.
gnomAD v4.1: 14 of 1,614,066 alleles (0.00087%); highest among the groups gnomAD compares: Admixed American, 0.0017%; no homozygotes.

Submissions (2):

Ambry Genetics
Classification: Likely benign for Inborn genetic diseases. Last evaluated: 2026-06-15. Review status: criteria provided, single submitter. Criteria: Ambry Variant Classification Scheme 2023. Collection method: clinical testing. Allele origin: germline.

Labcorp Genetics (formerly Invitae), Labcorp
Classification: Uncertain significance. Last evaluated: 2022-10-24. Review status: criteria provided, single submitter. Criteria: Invitae Variant Classification Sherloc (09022015). Collection method: clinical testing. Allele origin: germline.
Comment: In summary, the available evidence is currently insufficient to determine the role of this variant in disease. Therefore, it has been classified as a Variant of Uncertain Significance. Advanced modeling of protein sequence and biophysical properties (such as structural, functional, and spatial information, amino acid conservation, physicochemical variation, residue mobility, and thermodynamic stability) has been performed at Invitae for this missense variant, however the output from this modeling did not meet the statistical confidence thresholds required to predict the impact of this variant on KMT2A protein function. This variant has not been reported in the literature in individuals affected with KMT2A-related conditions. This variant is present in population databases (no rsID available, gnomAD 0.002%). This sequence change replaces aspartic acid, which is acidic and polar, with glycine, which is neutral and non-polar, at codon 2681 of the KMT2A protein (p.Asp2681Gly).

NM_001197104.2(KMT2A):c.8042A>G (p.Asp2681Gly)

Gene: KMT2A (lysine methyltransferase 2A; plus strand). Cytogenetic location: 11q23.3.
Variant type: single nucleotide variant.
Coding change: c.8042A>G on transcript NM_001197104.2 (MANE Select); coding-DNA position 8042, A replaced by G.
Protein change: p.Asp2681Gly; replaces aspartic acid 2681 with glycine.
Molecular consequence: missense variant.
Genome position (GRCh38, 1-based): chr11:118,503,934, A>G. VCF-style: chr11-118503934-A-G. GRCh37 (hg19) VCF-style: chr11-118374649-A-G.
Other names: c.8132A>G, p.Asp2711Gly (NM_001412597.1); c.8033A>G, p.Asp2678Gly (NM_005933.4); short protein forms D2681G, D2711G, D2678G.
Identifiers: ClinVar variation 1909716 (VCV001909716.4), dbSNP rs1555046957, ClinGen allele CA382808401.